The following is an entry in ClinVar:

NM_000414.4(HSD17B4):c.1480dup (p.Thr494fs)

Gene: HSD17B4 (hydroxysteroid 17-beta dehydrogenase 4; plus strand). Cytogenetic location: 5q23.1.
Variant type: Duplication.
Coding change: c.1480dup on transcript NM_000414.4 (MANE Select); coding-DNA position 1480, one base duplicated (A; older notation c.1480dupA).
Protein change: p.Thr494fs; shifts the reading frame from threonine 494.
Molecular consequence: frameshift variant. On other transcripts: non-coding transcript variant (2).
Genome position (GRCh38, 1-based): chr5:119,515,023, A duplicated. VCF-style (leftmost placement, unchanged base first): chr5-119515022-T-TA. GRCh37 (hg19) VCF-style: chr5-118850717-T-TA.
Other names: c.1555dup, p.Thr519fs (NM_001199291.3); c.1426dup, p.Thr476fs (NM_001199292.2); c.1408dup, p.Thr470fs (NM_001292027.2, NM_001374498.1); c.1060dup, p.Thr354fs (NM_001292028.2); c.1471dup, p.Thr491fs (NM_001374497.1); c.1153dup, p.Thr385fs (NM_001374499.1); c.1039dup, p.Thr347fs (NM_001374500.1); c.1069dup, p.Thr357fs (NM_001374501.1, NM_001374502.1, NM_001374503.1); short protein forms T347fs, T354fs, T357fs, T385fs, T470fs, T476fs, T491fs, T494fs.
Identifiers: ClinVar variation 1878649 (VCV001878649.2), dbSNP rs775060894, ClinGen allele CA2580072545.
Genomic context (GRCh38, chr5:119,515,022, plus strand): 5'-TGTAATGTCTTAATTTTAGGTAGCTGTAGCCATACCTAATAGACCTCCTGATGCTGTACT[T>TA]ACAGATACCACCTCTCTTAATCAGGTAAGATTGTATTTTTGAAAAATGATAAATCCACCT-3'

ClinVar aggregate classification (germline): Likely pathogenic. Review status: criteria provided, multiple submitters, no conflicts (2 of 4 stars). 2 submissions from 2 submitters: Likely pathogenic (2). Last evaluated 2023-08-26.

Conditions:
Bifunctional peroxisomal enzyme deficiency (DBIF). Also called: DBP DEFICIENCY; PBFE DEFICIENCY; D-bifunctional protein deficiency. Identifiers: Orphanet 300, MedGen C0342870, MONDO:0009855, OMIM 261515. Disease mechanism: loss of function.

Submissions (2):

Baylor Genetics
Classification: Likely pathogenic for Bifunctional peroxisomal enzyme deficiency. Last evaluated: 2023-08-26. Review status: criteria provided, single submitter. Criteria: ACMG Guidelines, 2015. Collection method: clinical testing. Allele origin: unknown.

Neuberg Centre For Genomic Medicine, NCGM
Classification: Likely pathogenic for Bifunctional peroxisomal enzyme deficiency. Review status: criteria provided, single submitter. Criteria: ACMG Guidelines, 2015. Collection method: clinical testing. Allele origin: germline. Affected: yes.
Comment: The frameshift duplication p.T494Nfs*7 in HSD17B4 (NM_000414.4) has not been reported previously as a pathogenic variant nor as a benign variant, to our knowledge. The p.T494Nfs*7 variant is novel (not in any individuals) in gnomAD Exomes and is novel (not in any individuals) in 1000 Genomes. This variant is predicted to cause loss of normal protein function through protein truncation. Loss of function variants have been previously reported to be disease causing. For these reasons, this variant has been classified as Likely Pathogenic.